The following is an entry in ClinVar:

NM_001039141.3(TRIOBP):c.2124C>T (p.Ala708=)

Gene: TRIOBP (TRIO and F-actin binding protein; plus strand). Cytogenetic location: 22q13.1.
Variant type: single nucleotide variant.
Coding change: c.2124C>T on transcript NM_001039141.3 (MANE Select); coding-DNA position 2124, C replaced by T.
Protein change: p.Ala708=; no amino-acid change (alanine 708 retained).
Molecular consequence: synonymous variant.
Genome position (GRCh38, 1-based): chr22:37,724,680, C>T. VCF-style: chr22-37724680-C-T. GRCh37 (hg19) VCF-style: chr22-38120687-C-T.
Identifiers: ClinVar variation 4875417 (VCV004875417.2).

ClinVar aggregate classification (germline): Uncertain significance (1 of 4 stars; one submission).

gnomAD v4.1: 6 of 1,610,210 alleles (0.00037%); highest among the groups gnomAD compares: African/African-American, 0.0054%; no homozygotes.

Submission:

CeGaT Center for Human Genetics Tuebingen
Classification: Uncertain significance. Last evaluated: 2026-06-01. Review status: criteria provided, single submitter. Criteria: CeGaT Center For Human Genetics Tuebingen Variant Classification Criteria Version 2. Collection method: clinical testing. Allele origin: germline. Affected: yes. Observed: 1 variant allele.
Comment: TRIOBP: PM2:Supporting, BP4